The following is an entry in ClinVar:

ClinVar aggregate classification (germline): Uncertain significance (1 of 4 stars; one submission).

Conditions:
PLXNA1-related disorder. Also called: PLXNA1-related condition.

Allele frequency attached by ClinVar (database versions not stated): TOPMed below 0.00001; gnomAD 0.00001.
gnomAD v4.1: 18 of 1,613,524 alleles (0.0011%); highest among the groups gnomAD compares: Middle Eastern, 0.016%; no homozygotes.

Submission:

PreventionGenetics, part of Exact Sciences
Classification: Uncertain significance for PLXNA1-related condition. Last evaluated: 2026-04-13. Review status: criteria provided, single submitter. Criteria: ACMG Guidelines, 2015. Collection method: clinical testing. Allele origin: germline.
Comment: The PLXNA1 c.619A>T variant is predicted to result in the amino acid substitution p.Met207Leu. To our knowledge, this variant has not been reported in the literature. This variant is reported in 0.0026% of alleles in individuals of European (Non-Finnish) descent in gnomAD. At this time, the clinical significance of this variant is uncertain due to the absence of conclusive functional and genetic evidence.

NM_032242.4(PLXNA1):c.619A>T (p.Met207Leu)

Gene: PLXNA1 (plexin A1; plus strand). Cytogenetic location: 3q21.3.
Variant type: single nucleotide variant.
Coding change: c.619A>T on transcript NM_032242.4 (MANE Select); coding-DNA position 619, A replaced by T.
Protein change: p.Met207Leu; replaces methionine 207 with leucine.
Molecular consequence: missense variant.
Genome position (GRCh38, 1-based): chr3:126,989,212, A>T. VCF-style: chr3-126989212-A-T. GRCh37 (hg19) VCF-style: chr3-126708055-A-T.
Other names: short protein forms M207L.
Identifiers: ClinVar variation 3051069 (VCV003051069.3), dbSNP rs939000109, ClinGen allele CA83278691.